The following is an entry in ClinVar:

ClinVar aggregate classification (germline): Uncertain significance. Review status: criteria provided, multiple submitters, no conflicts (2 of 4 stars). 2 submissions from 2 submitters: Uncertain significance (2). Last evaluated 2024-06-17.

Conditions:
Neonatal diabetes mellitus with congenital hypothyroidism. Also called: NDH SYNDROME. Identifiers: Orphanet 79118, MedGen C1857775, MONDO:0012436, OMIM 610199.

Allele frequency attached by ClinVar (database versions not stated): TOPMed below 0.00001; gnomAD 0.00001; 1000 Genomes Project 30x 0.00031.
gnomAD v4.1: 63 of 1,614,144 alleles (0.0039%); highest among the groups gnomAD compares: Non-Finnish European, 0.0053%; 1 homozygote.

Submissions (2):

Fulgent Genetics
Classification: Uncertain significance for Neonatal diabetes mellitus with congenital hypothyroidism. Last evaluated: 2024-06-17. Review status: criteria provided, single submitter. Criteria: ACMG Guidelines, 2015. Collection method: clinical testing. Allele origin: germline.

GeneDx
Classification: Uncertain significance. Last evaluated: 2024-04-25. Review status: criteria provided, single submitter. Criteria: GeneDx Variant Classification Process June 2021. Collection method: clinical testing. Allele origin: germline. Affected: yes.
Comment: In silico analysis supports that this missense variant does not alter protein structure/function; Not observed at significant frequency in large population cohorts (gnomAD); Has not been previously published as pathogenic or benign to our knowledge; Reported using an alternate transcript of the gene

NM_001042413.2(GLIS3):c.527A>G (p.Asn176Ser)

Gene: GLIS3 (GLIS family zinc finger 3; minus strand). Cytogenetic location: 9p24.2.
Variant type: single nucleotide variant.
Coding change: c.527A>G on transcript NM_001042413.2 (MANE Select); coding-DNA position 527, A replaced by G.
Protein change: p.Asn176Ser; replaces asparagine 176 with serine.
Molecular consequence: missense variant.
Genome position (GRCh38, 1-based): chr9:4,125,803, T>C on the plus strand (A>G on the coding strand, the complement: GLIS3 is on the minus strand). VCF-style: chr9-4125803-T-C. GRCh37 (hg19) VCF-style: chr9-4125803-T-C.
Other names: c.62A>G, p.Asn21Ser (NM_152629.4); short protein forms N176S, N21S.
Identifiers: ClinVar variation 2446669 (VCV002446669.3), dbSNP rs1460502317, ClinGen allele CA372805765.
Genomic context (GRCh38, chr9:4,125,803, plus strand): 5'-GAAGGAGGTATATTCAGGTTGGCTGCATTCATTGCCCTCTGTAAGCTAGGACTGATCTGG[T>C]TGCATGCTGTAGAGACCTGGCTTGCTGGAGGTGAAATGAGTCCCAGTCGCTGAACCATCA-3'
Protein context (NP_001035878.1, residues 166-186): PPASQVSTAC[Asn176Ser]QISPSLQRAM